The following is an entry in ClinVar:

NM_004629.2(FANCG):c.704C>T (p.Ala235Val)

Gene: FANCG (FA complementation group G; minus strand). Cytogenetic location: 9p13.3.
Variant type: single nucleotide variant.
Coding change: c.704C>T on transcript NM_004629.2 (MANE Select); coding-DNA position 704, C replaced by T.
Protein change: p.Ala235Val; replaces alanine 235 with valine.
Molecular consequence: missense variant.
Genome position (GRCh38, 1-based): chr9:35,077,044, G>A on the plus strand (C>T on the coding strand, the complement: FANCG is on the minus strand). VCF-style: chr9-35077044-G-A. GRCh37 (hg19) VCF-style: chr9-35077041-G-A.
Other names: short protein forms A235V.
Identifiers: ClinVar variation 841536 (VCV000841536.7), dbSNP rs574975594, ClinGen allele CA5039975.
Genomic context (GRCh38, chr9:35,077,044, plus strand): 5'-CAGGACCCCAGTGCTGTGTACACCTGGACCAACACAGGCCGTGGACACAGGCCTGAGGCC[G>A]CTTCATGAAGGCTGCTTAGTGCCTTGTCTGGGTTCCCTGTGATCAGCTCCTGGAGACCTG-3'
Protein context (NP_004620.1, residues 225-245): PDKALSSLHE[Ala235Val]ASGLCPRPVL

ClinVar aggregate classification (germline): Uncertain significance. Review status: criteria provided, multiple submitters, no conflicts (2 of 4 stars). 3 submissions from 3 submitters: Uncertain significance (2). 1 of the submissions does not count toward it. Last evaluated 2025-09-30.

Conditions:
Fanconi anemia (FA). Also called: Fanconi's anemia. Identifiers: Orphanet 84, MedGen C0015625, MeSH D005199, MONDO:0019391.
Fanconi anemia complementation group G. Also called: FANCG-Related Fanconi Anemia; Fanconi anemia group G. Identifiers: Orphanet 84, MedGen C3469527, MONDO:0013565, OMIM 614082.

Allele frequency attached by ClinVar (database versions not stated): ExAC 0.00002; gnomAD exomes 0.00004 and 0.00005; gnomAD 0.00005; TOPMed 0.00006; 1000 Genomes Project 0.00020; 1000 Genomes Project 30x 0.00031.
gnomAD v4.1: 82 of 1,614,196 alleles (0.0051%); highest among the groups gnomAD compares: African/African-American, 0.0093%; no homozygotes.

Submissions (3):

Labcorp Genetics (formerly Invitae), Labcorp
Classification: Uncertain significance for Fanconi anemia. Last evaluated: 2025-09-30. Review status: criteria provided, single submitter. Criteria: Invitae Variant Classification Sherloc (09022015). Collection method: clinical testing. Allele origin: germline.
Comment: This sequence change replaces alanine, which is neutral and non-polar, with valine, which is neutral and non-polar, at codon 235 of the FANCG protein (p.Ala235Val). This variant is present in population databases (rs574975594, gnomAD 0.01%). This variant has not been reported in the literature in individuals affected with FANCG-related conditions. ClinVar contains an entry for this variant (Variation ID: 841536). Invitae Evidence Modeling of protein sequence and biophysical properties (such as structural, functional, and spatial information, amino acid conservation, physicochemical variation, residue mobility, and thermodynamic stability) indicates that this missense variant is not expected to disrupt FANCG protein function with a negative predictive value of 80%. In summary, the available evidence is currently insufficient to determine the role of this variant in disease. Therefore, it has been classified as a Variant of Uncertain Significance.

Fulgent Genetics
Classification: Uncertain significance for Fanconi anemia complementation group G. Last evaluated: 2022-05-12. Review status: criteria provided, single submitter. Criteria: ACMG Guidelines, 2015. Collection method: clinical testing. Allele origin: unknown.

Natera, Inc.
Classification: Uncertain significance for Fanconi anemia group G. Last evaluated: 2020-03-29. Review status: no assertion criteria provided. Collection method: clinical testing. Allele origin: germline. Not counted in ClinVar's aggregate classification.